The following is an entry in ClinVar:

NM_021815.5(SLC5A7):c.881T>C (p.Ile294Thr)

Gene: SLC5A7 (solute carrier family 5 member 7; plus strand). Cytogenetic location: 2q12.3.
Variant type: single nucleotide variant.
Coding change: c.881T>C on transcript NM_021815.5 (MANE Select); coding-DNA position 881, T replaced by C.
Protein change: p.Ile294Thr; replaces isoleucine 294 with threonine.
Molecular consequence: missense variant.
Genome position (GRCh38, 1-based): chr2:108,006,188, T>C. VCF-style: chr2-108006188-T-C. GRCh37 (hg19) VCF-style: chr2-108622644-T-C.
Other names: c.881T>C, p.Ile294Thr (NM_001305005.3); c.566T>C, p.Ile189Thr (NM_001305006.3); c.140T>C, p.Ile47Thr (NM_001305007.3); short protein forms I189T, I294T, I47T.
Identifiers: ClinVar variation 4293912 (VCV004293912.1).

ClinVar aggregate classification (germline): Likely pathogenic (1 of 4 stars; one submission).

Conditions:
Congenital myasthenic syndrome 20. Also called: Myasthenic syndrome, congenital, 20, presynaptic. Identifiers: MedGen C4310694, MONDO:0014939, OMIM 617143.

gnomAD v4.1: 2 of 1,614,016 alleles (0.00012%); highest among the groups gnomAD compares: Non-Finnish European, 0.00017%; no homozygotes.

Submission:

3billion
Classification: Likely pathogenic for Congenital myasthenic syndrome 20. Last evaluated: 2024-11-15. Review status: criteria provided, single submitter. Criteria: ACMG Guidelines, 2015. Collection method: clinical testing. Allele origin: germline. Affected: yes.
Comment: The variant is observed at an extremely low frequency in the gnomAD v4.1.0 dataset (total allele frequency: <0.001%). Predicted Consequence/Location: Missense variant Functional studies provide moderate evidence of the variant having a damaging effect on the gene or gene product (PMID: 36611016). In silico tool predictions suggest damaging effect of the variant on gene or gene product [REVEL: 0.78 (>=0.6, sensitivity 0.68 and specificity 0.92); 3Cnet: 0.01 (>=0.6, sensitivity 0.72 and precision 0.9)]. The same nucleotide change resulting in the same amino acid change has been previously reported to be associated with SLC5A7 related disorder (PMID: 36611016). However, the evidence of pathogenicity is insufficient at this time. Therefore, this variant is classified as Likely pathogenic according to the recommendation of ACMG/AMP guideline.

Literature cited by the submitters: PubMed 36611016.